The following is an entry in ClinVar:

ClinVar aggregate classification (germline): Likely benign (1 of 4 stars; one submission).

Allele frequency attached by ClinVar (database versions not stated): TOPMed 0.00021; ESP Exome Variant Server 0.00023; gnomAD 0.00025; ExAC 0.00050; 1000 Genomes Project 0.00060; 1000 Genomes Project 30x 0.00078.
gnomAD v4.1: 424 of 1,613,690 alleles (0.026%); highest among the groups gnomAD compares: East Asian, 0.33%; 1 homozygote.

Submission:

CeGaT Center for Human Genetics Tuebingen
Classification: Likely benign. Last evaluated: 2022-05-01. Review status: criteria provided, single submitter. Criteria: CeGaT Center For Human Genetics Tuebingen Variant Classification Criteria Version 2. Collection method: clinical testing. Allele origin: germline. Affected: yes. Observed: 1 variant allele.
Comment: PPEF2: BP4, BP7

NM_006239.3(PPEF2):c.1671G>A (p.Ser557=)

Gene: PPEF2 (protein phosphatase with EF-hand domain 2; minus strand). Cytogenetic location: 4q21.1.
Variant type: single nucleotide variant.
Coding change: c.1671G>A on transcript NM_006239.3 (MANE Select); coding-DNA position 1671, G replaced by A.
Protein change: p.Ser557=; no amino-acid change (serine 557 retained).
Molecular consequence: synonymous variant.
Genome position (GRCh38, 1-based): chr4:75,867,398, C>T on the plus strand (G>A on the coding strand, the complement: PPEF2 is on the minus strand). VCF-style: chr4-75867398-C-T. GRCh37 (hg19) VCF-style: chr4-76788551-C-T.
Identifiers: ClinVar variation 2654825 (VCV002654825.24), dbSNP rs148568890, ClinGen allele CA2966894.